The following is an entry in ClinVar:

NM_000089.4(COL1A2):c.982G>A (p.Gly328Ser)

Gene: COL1A2 (collagen type I alpha 2 chain; plus strand). Cytogenetic location: 7q21.3.
Variant type: single nucleotide variant.
Coding change: c.982G>A on transcript NM_000089.4 (MANE Select); coding-DNA position 982, G replaced by A.
Protein change: p.Gly328Ser; replaces glycine 328 with serine.
Molecular consequence: missense variant.
Genome position (GRCh38, 1-based): chr7:94,409,768, G>A. VCF-style: chr7-94409768-G-A. GRCh37 (hg19) VCF-style: chr7-94039080-G-A.
Other names: p.G328S; short protein forms G328S.
Identifiers: ClinVar variation 456848 (VCV000456848.65), dbSNP rs66612022, ClinGen allele CA162920322.

ClinVar aggregate classification (germline): Pathogenic. Review status: criteria provided, multiple submitters, no conflicts (2 of 4 stars). 11 submissions from 11 submitters: Pathogenic (10). 1 of the submissions does not count toward it. Last evaluated 2025-09-16.

Conditions:
Osteogenesis imperfecta type I (OI1). Also called: OSTEOGENESIS IMPERFECTA TARDA; OSTEOGENESIS IMPERFECTA WITH BLUE SCLERAE; Classic Non-deforming Osteogenesis Imperfecta with Blue Sclerae; OI, TYPE I; Osteogenesis imperfecta type 1; Lobstein disease. Identifiers: Orphanet 216796, Orphanet 666, MedGen C0023931, MONDO:0008146, OMIM 166200. Disease mechanism: loss of function.
Ehlers-Danlos syndrome, classic type, 1 (EDSCL1). Also called: Ehlers-Danlos Syndrome, Classic Type, COL5A1-Related; EDS I; EHLERS-DANLOS SYNDROME, GRAVIS TYPE; EHLERS-DANLOS SYNDROME, SEVERE CLASSIC TYPE; Ehlers-Danlos syndrome, type 1. Identifiers: MedGen C0268335, MONDO:0019567, OMIM 130000.
COL1A2-related disorder. Also called: COL1A2-Related Disorders; COL1A2-related condition.
Ehlers-Danlos syndrome, cardiac valvular type. Identifiers: Orphanet 230851, MedGen C4303789, MONDO:0009159, OMIM 225320.
Postmenopausal osteoporosis. Also called: OSTEOPOROSIS, INVOLUTIONAL; BONE MINERAL DENSITY QUANTITATIVE TRAIT LOCUS. Identifiers: MedGen C0029458, MONDO:0008159.
Osteogenesis imperfecta with normal sclerae, dominant form (OI4). Also called: OSTEOGENESIS IMPERFECTA WITH NORMAL SCLERAE; Common Variable Osteogenesis Imperfecta with Normal Sclerae; Osteogenesis Imperfecta Type IV; OSTEOGENESIS IMPERFECTA, TYPE IV, WITH DENTINOGENESIS IMPERFECTA; Osteogenesis imperfecta type 4. Identifiers: Orphanet 216820, Orphanet 666, MedGen C0268363, MONDO:0008148, OMIM 166220.
Ehlers-Danlos syndrome, arthrochalasia type, 2. Also called: EHLERS-DANLOS SYNDROME, TYPE VIIB, AUTOSOMAL DOMINANT. Identifiers: MedGen CN293783, MONDO:0040501, OMIM 617821.
Osteogenesis imperfecta, perinatal lethal (OI2). Also called: OSTEOGENESIS IMPERFECTA CONGENITA; OSTEOGENESIS IMPERFECTA, TYPE II; Osteogenesis imperfecta type 2; Osteogenesis imperfecta, dominant perinatal lethal; OI, TYPE II; VROLIK TYPE OF OSTEOGENESIS IMPERFECTA. Identifiers: Orphanet 216804, MedGen C0268358, MONDO:0008147, OMIM 166210.
Osteogenesis imperfecta type III (OI3). Also called: Progressively Deforming Osteogenesis Imperfecta; Osteogenesis imperfecta type 3; OI type 3; Osteogenesis imperfecta, progressively deforming with normal sclerae; OI type III. Identifiers: Orphanet 216812, Orphanet 666, MedGen C0268362, MONDO:0009804, OMIM 259420.
Osteogenesis imperfecta (OI). Identifiers: Orphanet 666, MedGen C0029434, MeSH D010013, MONDO:0019019.

Submissions (11):

Labcorp Genetics (formerly Invitae), Labcorp
Classification: Pathogenic for Osteogenesis imperfecta type I; Ehlers-Danlos syndrome, classic type, 1. Last evaluated: 2025-09-16. Review status: criteria provided, single submitter. Criteria: Invitae Variant Classification Sherloc (09022015). Collection method: clinical testing. Allele origin: germline.
Comment: This sequence change replaces glycine, which is neutral and non-polar, with serine, which is neutral and polar, at codon 328 of the COL1A2 protein (p.Gly328Ser). This variant is not present in population databases (gnomAD no frequency). This missense change has been observed in individual(s) with autosomal dominant osteogenesis imperfecta (PMID: 7860070, 9272740, 16705691, 17078022, 22589248). In at least one individual the variant was observed to be de novo. ClinVar contains an entry for this variant (Variation ID: 456848). Invitae Evidence Modeling of protein sequence and biophysical properties (such as structural, functional, and spatial information, amino acid conservation, physicochemical variation, residue mobility, and thermodynamic stability) indicates that this missense variant is expected to disrupt COL1A2 protein function with a positive predictive value of 95%. Experimental studies have shown that this missense change affects COL1A2 function (PMID: 7860070, 9272740, 9594376). For these reasons, this variant has been classified as Pathogenic.

Clinical Biomedical Laboratory, Shriners Hospital For Children - Canada
Classification: Pathogenic for Osteogenesis imperfecta with normal sclerae, dominant form. Last evaluated: 2025-07-16. Review status: criteria provided, single submitter. Criteria: ACMG Guidelines, 2015. Collection method: clinical testing. Allele origin: germline. Affected: yes.
Comment: This variant is predicted to substitute a glycine residue by a serine residue in the alpha 2 chain of collagen type I. Glycine substitutions in the triple helical domain of collagen type I cause disruption in the formation of the triple helix in the collagen molecule and are a typical cause of osteogenesis imperfecta. This variant is absent from the Genome Aggregation Database v.2.1.1, indicating it is very rare. This variant has been reported in the literature (PMID: 27509835). Prediction tools: (REVEL: 0.99) suggest that the change is detrimental to protein function.

3billion
Classification: Pathogenic for COL1A2-related disorder. Last evaluated: 2025-03-13. Review status: criteria provided, single submitter. Criteria: ACMG Guidelines, 2015. Collection method: clinical testing. Allele origin: germline. Affected: yes.
Comment: The variant is not observed in the gnomAD v4.1.0 dataset. Predicted Consequence/Location: Missense variant. Missense changes are a common disease-causing mechanism. In silico tool predictions suggest damaging effect of the variant on gene or gene product [REVEL: 0.99 (>=0.6, sensitivity 0.68 and specificity 0.92); 3Cnet: 0.98 (> 0.75, sensitivity 0.96 and precision 0.92)]. The same nucleotide change resulting in the same amino acid change has been previously reported as pathogenic/likely pathogenic with strong evidence (ClinVar ID: VCV000456848 / PMID: 7860070 / 3billion dataset). Different missense changes at the same codon (p.Gly328Arg, p.Gly328Asp, p.Gly328Cys, p.Gly328Val) have been reported as pathogenic/likely pathogenic with strong evidence (ClinVar ID: VCV000372735, VCV000618025, VCV003337934 / PMID: 11359465, 17078022, 36709916).Therefore, this variant is classified as Pathogenic according to the recommendation of ACMG/AMP guideline.

Revvity Omics, Revvity
Classification: Pathogenic. Last evaluated: 2024-02-02. Review status: criteria provided, single submitter. Criteria: ACMG Guidelines, 2015. Collection method: clinical testing. Allele origin: germline.

Blueprint Genetics
Classification: Pathogenic for COL1A2-related disorders. Last evaluated: 2022-10-04. Review status: criteria provided, single submitter. Criteria: ACMG Guidelines, 2015. Collection method: clinical testing. Allele origin: germline. Affected: yes. Observed: 1 variant allele.

Dasa
Classification: Pathogenic for Ehlers-Danlos syndrome, cardiac valvular type. Last evaluated: 2022-02-14. Review status: criteria provided, single submitter. Criteria: ACMG Guidelines, 2015. Collection method: clinical testing. Allele origin: germline. Affected: yes. Observed: 1 variant allele.
Comment: Well-established in vitro or in vivo functional studies supportive of a damaging effect on the gene or gene product (PMID: 32659730) - PS3_supporting. The c.982G>A;p.(Gly328Ser) missense variant has been observed in affected individual(s) and ClinVar contains an entry for this variant (Clinvar ID: 456848; PMID: 22589248; 16705691; 9272740; 27519266; 26307460) - PS4. This variant is not present in population databases (rs66612022, gnomAD; ABraOM no frequency) - PM2. Pathogenic missense variant in this residue have been reported (Clinvar ID: 618025; 372735) - PM5. The variant co-segregated with disease in multiple affected family members (PMID: 26307460) - PP1. Multiple lines of computational evidence support a deleterious effect on the gene or gene product - PP3. In summary, the currently available evidence indicates that the variant is pathogenic.

GeneDx
Classification: Pathogenic. Last evaluated: 2022-01-18. Review status: criteria provided, single submitter. Criteria: GeneDx Variant Classification Process June 2021. Collection method: clinical testing. Allele origin: germline. Affected: yes.
Comment: Observed frequently in unrelated patients with osteogenesis imperfecta from different ethnic backgrounds in published literature (Lee et al., 2006; Marini et al., 2007; Bardai et al., 2016; Ho Duy et al., 2016) and not observed in controls; Occurs in the triple helical domain and replaces the glycine in the canonical Gly-X-Y repeat; missense substitution of a canonical glycine residue is expected to disrupt normal protein folding and function, and this is an established mechanism of disease (HGMD); Not observed in large population cohorts (gnomAD); In silico analysis, which includes protein predictors and evolutionary conservation, supports a deleterious effect; This variant is associated with the following publications: (PMID: 22589248, 15024745, 27509835, 9594376, 31414283, 9272740, 32123938, 31853946, 32659730, 16705691, 26307460, 21667357, 24668929, 17875077, 27519266, 29907962, 7860070, 31447884, 17078022, 29453417, 32770541)

Centre for Mendelian Genomics, University Medical Centre Ljubljana
Classification: Pathogenic for Osteogenesis imperfecta with normal sclerae, dominant form. Last evaluated: 2019-09-09. Review status: criteria provided, single submitter. Criteria: ACMG Guidelines, 2015. Collection method: clinical testing. Allele origin: unknown. Affected: yes.
Comment: This variant was classified as: Pathogenic. The following ACMG criteria were applied in classifying this variant: PS1,PM1,PM2,PM5,PP3.

Fulgent Genetics
Classification: Pathogenic for Osteogenesis imperfecta, perinatal lethal; Osteogenesis imperfecta with normal sclerae, dominant form; Osteoporosis; Ehlers-Danlos syndrome, cardiac valvular type; Osteogenesis imperfecta type III; Ehlers-Danlos syndrome, arthrochalasia type, 2. Last evaluated: 2018-10-31. Review status: criteria provided, single submitter. Criteria: ACMG Guidelines, 2015. Collection method: clinical testing. Allele origin: unknown.

Juno Genomics, Hangzhou Juno Genomics, Inc
Classification: Pathogenic for Osteogenesis imperfecta, perinatal lethal; Osteogenesis imperfecta type III; Osteogenesis imperfecta with normal sclerae, dominant form. Review status: criteria provided, single submitter. Criteria: ACMG Guidelines, 2015. Collection method: clinical testing. Allele origin: germline. Affected: yes.
Comment: Absent from controls (or at extremely low frequency if recessive) in Genome Aggregation Database.;Multiple lines of computational evidence support a deleterious effect on the gene or gene product.;Missense variant in a gene that has a low rate of benign missense variation.;The prevalence of the variant in affected individuals is significantly increased compared to the prevalence in controls.;De novo (both maternity and paternity confirmed) in a patient with the disease and no family history.

Lake Erie College Of Osteopathic Medicine, Lecom Bradenton
Classification: Pathogenic for Osteogenesis Imperfecta. Last evaluated: 2023-06-16. Review status: no assertion criteria provided. Collection method: clinical testing. Allele origin: de novo. Affected: yes. Not counted in ClinVar's aggregate classification.
Comment: Osteogenesis Imperfecta, indeterminate type

Literature cited by the submitters: PubMed 7860070 (cited by Labcorp Genetics (formerly Invitae), Labcorp and 3billion); PubMed 9272740 (cited by Labcorp Genetics (formerly Invitae), Labcorp and Dasa); PubMed 16705691 (cited by Labcorp Genetics (formerly Invitae), Labcorp and Dasa); PubMed 17078022 (cited by Labcorp Genetics (formerly Invitae), Labcorp); PubMed 22589248 (cited by Labcorp Genetics (formerly Invitae), Labcorp and Dasa); PubMed 9594376 (cited by Labcorp Genetics (formerly Invitae), Labcorp); PubMed 27509835 (cited by Clinical Biomedical Laboratory, Shriners Hospital For Children - Canada); PubMed 11359465 (cited by 3billion); PubMed 32659730 (cited by Dasa); PubMed 27519266 (cited by Dasa); PubMed 26307460 (cited by Dasa).